The following is an entry in ClinVar:

NM_019096.5(GTPBP2):c.290G>A (p.Arg97His)

Gene: GTPBP2 (GTP binding protein 2; minus strand). Cytogenetic location: 6p21.1.
Variant type: single nucleotide variant.
Coding change: c.290G>A on transcript NM_019096.5 (MANE Select); coding-DNA position 290, G replaced by A.
Protein change: p.Arg97His; replaces arginine 97 with histidine.
Molecular consequence: missense variant.
Genome position (GRCh38, 1-based): chr6:43,626,334, C>T on the plus strand (G>A on the coding strand, the complement: GTPBP2 is on the minus strand). VCF-style: chr6-43626334-C-T. GRCh37 (hg19) VCF-style: chr6-43594071-C-T.
Other names: c.26G>A, p.Arg9His (NM_001286216.2); short protein forms R9H, R97H.
Identifiers: ClinVar variation 1424210 (VCV001424210.9), dbSNP rs1769340072, ClinGen allele CA364280226.

ClinVar aggregate classification (germline): Uncertain significance (1 of 4 stars; one submission).

Allele frequency attached by ClinVar (database versions not stated): gnomAD exomes below 0.00001.
gnomAD v4.1: 3 of 1,614,202 alleles (0.00019%); highest among the groups gnomAD compares: South Asian, 0.0011%; no homozygotes.

Submission:

Labcorp Genetics (formerly Invitae), Labcorp
Classification: Uncertain significance. Last evaluated: 2021-12-02. Review status: criteria provided, single submitter. Criteria: Invitae Variant Classification Sherloc (09022015). Collection method: clinical testing. Allele origin: germline.
Comment: In summary, the available evidence is currently insufficient to determine the role of this variant in disease. Therefore, it has been classified as a Variant of Uncertain Significance. Algorithms developed to predict the effect of missense changes on protein structure and function (SIFT, PolyPhen-2, Align-GVGD) all suggest that this variant is likely to be tolerated. This variant has not been reported in the literature in individuals affected with GTPBP2-related conditions. This variant is not present in population databases (gnomAD no frequency). This sequence change replaces arginine, which is basic and polar, with histidine, which is basic and polar, at codon 97 of the GTPBP2 protein (p.Arg97His).